The following is an entry in ClinVar:

NM_000187.4(HGD):c.518T>C (p.Leu173Pro)

Gene: HGD (homogentisate 1,2-dioxygenase; minus strand). Cytogenetic location: 3q13.33.
Variant type: single nucleotide variant.
Coding change: c.518T>C on transcript NM_000187.4 (MANE Select); coding-DNA position 518, T replaced by C.
Protein change: p.Leu173Pro; replaces leucine 173 with proline.
Molecular consequence: missense variant.
Genome position (GRCh38, 1-based): chr3:120,647,004, A>G on the plus strand (T>C on the coding strand, the complement: HGD is on the minus strand). VCF-style: chr3-120647004-A-G. GRCh37 (hg19) VCF-style: chr3-120365851-A-G.
Other names: short protein forms L173P.
Identifiers: ClinVar variation 2506568 (VCV002506568.2), dbSNP rs2472701792, ClinGen allele CA354077003.

ClinVar aggregate classification (germline): Uncertain significance (1 of 4 stars; one submission).

Conditions:
Alkaptonuria (AKU). Also called: Alcaptonuria; HOMOGENTISIC ACID OXIDASE DEFICIENCY; Alkaptonuric ochronosis; Homogentisic acidura. Identifiers: Orphanet 56, MedGen C0002066, MONDO:0008753, OMIM 203500.

Submission:

Institute of Medical Genetics and Genomics, Sir Ganga Ram Hospital
Classification: Uncertain significance for Alkaptonuria. Last evaluated: 2023-06-24. Review status: criteria provided, single submitter. Criteria: ACMG Guidelines, 2015. Collection method: clinical testing. Allele origin: inherited. Inheritance: Autosomal recessive inheritance. Affected: yes.
Comment: This variant has not been found in gnomAD aggregate or ExAc (PM2_Moderate). This variant in exon 8 is in a mutational hotspot region (PM1_supporting) and in a gene with 72 pathogenic missense variants (PP2_supporting).